The following is an entry in ClinVar:

ClinVar aggregate classification (germline): Likely pathogenic (1 of 4 stars; one submission).

Conditions:
Recessive dystrophic epidermolysis bullosa (RDEB). Also called: DYSTROPHIC EPIDERMOLYSIS BULLOSA, AUTOSOMAL RECESSIVE; EPIDERMOLYSIS BULLOSA DYSTROPHICA, HALLOPEAU-SIEMENS TYPE; Recessive DEB (RDEB); Hallopeau-Siemens Disease; severe generalized recessive dystrophic epidermolysis bullosa; Epidermolysis Bullosa Distrophica Autosomal Recessive (RDEB). Identifiers: Orphanet 79408, Orphanet 79409, MedGen C0079474, MONDO:0009179, OMIM 226600.

Submission:

Women's Health and Genetics/Laboratory Corporation of America, LabCorp
Classification: Likely pathogenic for Recessive dystrophic epidermolysis bullosa. Last evaluated: 2026-01-15. Review status: criteria provided, single submitter. Criteria: LabCorp Variant Classification Summary - May 2015. Collection method: clinical testing. Allele origin: germline.
Comment: Variant summary: COL7A1 c.7949G>A (p.Gly2650Asp) results in a non-conservative amino acid change in the encoded protein sequence. Algorithms developed to predict the effect of missense changes on protein structure and function all suggest that this variant is likely to be disruptive. This variant disrupts the triple helix domain of COL7A1. Glycine residues within the Gly-Xaa-Yaa repeats of the triple helix domain are required for the structure and stability of fibrillar collagens (PMID: 7695699, 8218237, 19344236). The variant was absent in 251248 control chromosomes. c.7949G>A has been observed in at least one homozygous individual affected with Dystrophic Epidermolysis Bullosa, Recessive (e.g. Vahidnezhad_2017). These data indicate that the variant may be associated with disease. To our knowledge, no experimental evidence demonstrating an impact on protein function has been reported. The following publication has been ascertained in the context of this evaluation (PMID: 27899325). ClinVar contains an entry for this variant (Variation ID: 3902170). Based on the evidence outlined above, the variant was classified as likely pathogenic.

Literature cited by the submitters: PubMed 27899325.

NM_000094.4(COL7A1):c.7949G>A (p.Gly2650Asp)

Gene: COL7A1 (collagen type VII alpha 1 chain; minus strand). Cytogenetic location: 3p21.31.
Variant type: single nucleotide variant.
Coding change: c.7949G>A on transcript NM_000094.4 (MANE Select); coding-DNA position 7949, G replaced by A.
Protein change: p.Gly2650Asp; replaces glycine 2650 with aspartic acid.
Molecular consequence: missense variant.
Genome position (GRCh38, 1-based): chr3:48,567,744, C>T on the plus strand (G>A on the coding strand, the complement: COL7A1 is on the minus strand). VCF-style: chr3-48567744-C-T. GRCh37 (hg19) VCF-style: chr3-48605177-C-T.
Other names: short protein forms G2650D.
Identifiers: ClinVar variation 3902170 (VCV003902170.3).